The following is an entry in ClinVar:

NM_001267550.2(TTN):c.1449C>T (p.Ala483=)

Gene: TTN (titin; minus strand). Cytogenetic location: 2q31.2.
Variant type: single nucleotide variant.
Coding change: c.1449C>T on transcript NM_001267550.2 (MANE Select); coding-DNA position 1449, C replaced by T.
Protein change: p.Ala483=; no amino-acid change (alanine 483 retained).
Molecular consequence: synonymous variant.
Genome position (GRCh38, 1-based): chr2:178,793,491, G>A on the plus strand (C>T on the coding strand, the complement: TTN is on the minus strand). VCF-style: chr2-178793491-G-A. GRCh37 (hg19) VCF-style: chr2-179658218-G-A.
Other names: c.1449C>T, p.Ala483= (NM_003319.4, NM_133379.5, NM_133432.3 and 3 more transcripts).
Identifiers: ClinVar variation 166348 (VCV000166348.44), dbSNP rs141617218, ClinGen allele CA179412.

ClinVar aggregate classification (germline): Conflicting classifications of pathogenicity. Review status: criteria provided, conflicting classifications (1 of 4 stars). 12 submissions from 12 submitters: Uncertain significance (1); Likely benign (8). 3 of the submissions do not count toward it. Last evaluated 2026-09-21.

Conditions:
TTN-related disorder. Also called: TTN-related disorders; TTN-related condition; TTN-related disease.
Cardiovascular phenotype. Identifiers: MedGen CN230736.
Dilated cardiomyopathy 1G (CMD1G). Identifiers: Orphanet 154, MedGen C1858763, MONDO:0011400, OMIM 604145.
Autosomal recessive limb-girdle muscular dystrophy type 2J (LGMDR10). Also called: Limb-girdle muscular dystrophy, type 2J; MUSCULAR DYSTROPHY, LIMB-GIRDLE, AUTOSOMAL RECESSIVE 10. Identifiers: Orphanet 140922, MedGen C1837342, MONDO:0012127, OMIM 608807.

Allele frequency attached by ClinVar (database versions not stated): gnomAD exomes 0.00005; ExAC 0.00006; gnomAD 0.00011 and 0.00013; TOPMed 0.00014; ESP Exome Variant Server 0.00031.
gnomAD v4.1: 214 of 1,613,918 alleles (0.013%); highest among the groups gnomAD compares: Non-Finnish European, 0.017%; no homozygotes.

Submissions (12):

Molecular Diagnostic Laboratory for Inherited Cardiovascular Disease, Montreal Heart Institute
Classification: Likely benign. Last evaluated: 2026-09-21. Review status: criteria provided, single submitter. Criteria: ACMG Guidelines, 2015. Collection method: clinical testing. Allele origin: germline. Affected: no.

Labcorp Genetics (formerly Invitae), Labcorp
Classification: Likely benign for Dilated cardiomyopathy 1G; Autosomal recessive limb-girdle muscular dystrophy type 2J. Last evaluated: 2026-02-02. Review status: criteria provided, single submitter. Criteria: Invitae Variant Classification Sherloc (09022015). Collection method: clinical testing. Allele origin: germline.

Blueprint Genetics
Classification: Likely benign. Last evaluated: 2024-09-18. Review status: criteria provided, single submitter. Criteria: ACMG Guidelines, 2015. Collection method: clinical testing. Allele origin: germline.

CeGaT Center for Human Genetics Tuebingen
Classification: Likely benign. Last evaluated: 2024-06-01. Review status: criteria provided, single submitter. Criteria: CeGaT Center For Human Genetics Tuebingen Variant Classification Criteria Version 2. Collection method: clinical testing. Allele origin: germline. Affected: yes. Observed: 1 variant allele.
Comment: TTN: BP4, BP7

Women's Health and Genetics/Laboratory Corporation of America, LabCorp
Classification: Likely benign. Last evaluated: 2022-05-28. Review status: criteria provided, single submitter. Criteria: LabCorp Variant Classification Summary - May 2015. Collection method: clinical testing. Allele origin: germline.

Ambry Genetics
Classification: Likely benign for Cardiovascular phenotype. Last evaluated: 2019-09-18. Review status: criteria provided, single submitter. Criteria: Ambry Variant Classification Scheme 2023. Collection method: clinical testing. Allele origin: germline.

Eurofins Ntd Llc (ga)
Classification: Uncertain significance. Last evaluated: 2017-02-28. Review status: criteria provided, single submitter. Criteria: EGL Classification Definitions 2015. Collection method: clinical testing. Allele origin: germline. Observed: 1 variant allele, 1 heterozygote.

GeneDx
Classification: Likely benign. Last evaluated: 2016-12-20. Review status: criteria provided, single submitter. Criteria: GeneDx Variant Classification (06012015). Collection method: clinical testing. Allele origin: germline. Affected: yes.
Comment: This variant is considered likely benign or benign based on one or more of the following criteria: it is a conservative change, it occurs at a poorly conserved position in the protein, it is predicted to be benign by multiple in silico algorithms, and/or has population frequency not consistent with disease.

Laboratory for Molecular Medicine, Mass General Brigham Personalized Medicine
Classification: Likely benign. Last evaluated: 2012-03-19. Review status: criteria provided, single submitter. Criteria: LMM Criteria. Collection method: clinical testing. Allele origin: germline. Observed: 1 variant allele.
Comment: Ala483Ala in exon 9 of TTN: This variant is not expected to have clinical signif icance because it does not alter an amino acid residue and is not located within the splice consensus sequence. It has been identified in 3/7020 European Americ an chromosomes by the NHLBI Exome Sequencing Project (du/EVS; dbSNP rs141617218). Ala483Ala in exon 9 of TTN (rs141617218; allele fre quency = 3/7020) **

PreventionGenetics, part of Exact Sciences
Classification: Likely benign for TTN-related condition. Last evaluated: 2019-04-09. Review status: no assertion criteria provided. Collection method: clinical testing. Allele origin: germline. Not counted in ClinVar's aggregate classification.
Comment: This variant is classified as likely benign based on ACMG/AMP sequence variant interpretation guidelines (Richards et al. 2015 PMID: 25741868, with internal and published modifications).

Clinical Genetics DNA and cytogenetics Diagnostics Lab, Erasmus MC, Erasmus Medical Center
Classification: Likely benign. Review status: no assertion criteria provided. Collection method: clinical testing. Allele origin: germline. Affected: yes. Study: VKGL Data-share Consensus. Not counted in ClinVar's aggregate classification.

Genome Diagnostics Laboratory, University Medical Center Utrecht
Classification: Likely benign. Review status: no assertion criteria provided. Collection method: clinical testing. Allele origin: germline. Affected: yes. Study: VKGL Data-share Consensus. Not counted in ClinVar's aggregate classification.